The following is an entry in ClinVar:

NM_003072.5(SMARCA4):c.4919C>T (p.Ser1640Leu)

Gene: SMARCA4 (SWI/SNF related BAF chromatin remodeling complex subunit ATPase 4; plus strand). Cytogenetic location: 19p13.2.
Variant type: single nucleotide variant.
Coding change: c.4919C>T on transcript NM_003072.5 (MANE Select); coding-DNA position 4919, C replaced by T.
Protein change: p.Ser1640Leu; replaces serine 1640 with leucine.
Molecular consequence: missense variant. On other transcripts: non-coding transcript variant (1).
Genome position (GRCh38, 1-based): chr19:11,061,791, C>T. VCF-style: chr19-11061791-C-T. GRCh37 (hg19) VCF-style: chr19-11172467-C-T.
Other names: c.4919C>T, p.Ser1640Leu (NM_001128844.3); c.4829C>T, p.Ser1610Leu (NM_001128845.2); c.4826C>T, p.Ser1609Leu (NM_001128846.2); c.4820C>T, p.Ser1607Leu (NM_001128847.4, NM_001374457.1); c.4817C>T, p.Ser1606Leu (NM_001128848.2); c.5015C>T, p.Ser1672Leu (NM_001128849.3); short protein forms S1640L, S1672L, S1606L, S1610L, S1607L, S1609L.
Identifiers: ClinVar variation 857184 (VCV000857184.10), dbSNP rs1345181111, ClinGen allele CA404081837.
Genomic context (GRCh38, chr19:11,061,791, plus strand): 5'-GTGCCCTGGCAGGGGTGGCCAACGCACACTCTCTCCTCCTGTCCCCTCTCCAGGACCGCT[C>T]AGGAAGTGGCAGCGAAGAAGACTGAGCCCCGACATTCCAGTCTCGACCCCGAGCCCCTCG-3'
Protein context (NP_003063.2, residues 1630-1647): DSEEEQEEDR[Ser1640Leu]GSGSEED

ClinVar aggregate classification (germline): Uncertain significance. Review status: criteria provided, multiple submitters, no conflicts (2 of 4 stars). 2 submissions from 2 submitters: Uncertain significance (2). Last evaluated 2024-10-18.

Conditions:
Rhabdoid tumor predisposition syndrome 2 (RTPS2). Identifiers: Orphanet 231108, Orphanet 69077, MedGen C2750074, MONDO:0013224, OMIM 613325.
Hereditary cancer-predisposing syndrome. Also called: Tumor predisposition; Hereditary neoplastic syndrome; Neoplastic Syndromes, Hereditary; Hereditary Cancer Syndrome. Identifiers: Orphanet 140162, MedGen C0027672, MeSH D009386, MONDO:0015356.

Submissions (2):

Ambry Genetics
Classification: Uncertain significance for Hereditary cancer-predisposing syndrome. Last evaluated: 2024-10-18. Review status: criteria provided, single submitter. Criteria: Ambry Variant Classification Scheme 2023. Collection method: clinical testing. Allele origin: germline.
Comment: The p.S1672L variant (also known as c.5015C>T), located in coding exon 35 of the SMARCA4 gene, results from a C to T substitution at nucleotide position 5015. The serine at codon 1672 is replaced by leucine, an amino acid with dissimilar properties. This amino acid position is conserved. In addition, the in silico prediction for this alteration is inconclusive. Based on the available evidence, the clinical significance of this variant remains unclear.

Labcorp Genetics (formerly Invitae), Labcorp
Classification: Uncertain significance for Rhabdoid tumor predisposition syndrome 2. Last evaluated: 2024-09-25. Review status: criteria provided, single submitter. Criteria: Invitae Variant Classification Sherloc (09022015). Collection method: clinical testing. Allele origin: germline.
Comment: This sequence change replaces serine, which is neutral and polar, with leucine, which is neutral and non-polar, at codon 1672 of the SMARCA4 protein (p.Ser1672Leu). This variant is not present in population databases (gnomAD no frequency). This variant has not been reported in the literature in individuals affected with SMARCA4-related conditions. ClinVar contains an entry for this variant (Variation ID: 857184). Invitae Evidence Modeling of protein sequence and biophysical properties (such as structural, functional, and spatial information, amino acid conservation, physicochemical variation, residue mobility, and thermodynamic stability) has been performed for this missense variant. However, the output from this modeling did not meet the statistical confidence thresholds required to predict the impact of this variant on SMARCA4 protein function. Algorithms developed to predict the effect of sequence changes on RNA splicing suggest that this variant may disrupt the consensus splice site. In summary, the available evidence is currently insufficient to determine the role of this variant in disease. Therefore, it has been classified as a Variant of Uncertain Significance.